The following is an entry in ClinVar:

ClinVar aggregate classification (germline): Uncertain significance (1 of 4 stars; one submission).

Conditions:
Inborn genetic diseases. Identifiers: MedGen C0950123, MeSH D030342.

gnomAD v4.1: 1 of 1,613,154 alleles (0.000062%); highest among the groups gnomAD compares: East Asian, 0.0022%; no homozygotes.

Submission:

Ambry Genetics
Classification: Uncertain significance for Inborn genetic diseases. Last evaluated: 2026-08-29. Review status: criteria provided, single submitter. Criteria: Ambry Variant Classification Scheme 2023. Collection method: clinical testing. Allele origin: germline.
Comment: The p.S1329A variant (also known as c.3985T>G), located in coding exon 14 of the FANCM gene, results from a T to G substitution at nucleotide position 3985. The serine at codon 1329 is replaced by alanine, an amino acid with similar properties. This amino acid position is conserved. In addition, this alteration is predicted to be tolerated by in silico analysis. Based on the available evidence, the clinical significance of this variant remains unclear.

NM_020937.4(FANCM):c.3985T>G (p.Ser1329Ala)

Gene: FANCM (FA complementation group M; plus strand). Cytogenetic location: 14q21.2.
Variant type: single nucleotide variant.
Coding change: c.3985T>G on transcript NM_020937.4 (MANE Select); coding-DNA position 3985, T replaced by G.
Protein change: p.Ser1329Ala; replaces serine 1329 with alanine.
Molecular consequence: missense variant.
Genome position (GRCh38, 1-based): chr14:45,176,739, T>G. VCF-style: chr14-45176739-T-G. GRCh37 (hg19) VCF-style: chr14-45645942-T-G.
Other names: c.3907T>G, p.Ser1303Ala (NM_001308133.2); short protein forms S1303A, S1329A.
Identifiers: ClinVar variation 5021526 (VCV005021526.1).